The following is an entry in ClinVar:

NM_001394062.1(MACF1):c.20319A>G (p.Ala6773=)

Gene: MACF1 (microtubule actin crosslinking factor 1; plus strand). Cytogenetic location: 1p34.3.
Variant type: single nucleotide variant.
Coding change: c.20319A>G on transcript NM_001394062.1 (MANE Select); coding-DNA position 20319, A replaced by G.
Protein change: p.Ala6773=; no amino-acid change (alanine 6773 retained).
Molecular consequence: synonymous variant.
Genome position (GRCh38, 1-based): chr1:39,451,112, A>G. VCF-style: chr1-39451112-A-G. GRCh37 (hg19) VCF-style: chr1-39916784-A-G.
Other names: c.8397A>G, p.Ala2799= (NM_001397473.1); c.14142A>G, p.Ala4714= (NM_012090.5).
Identifiers: ClinVar variation 4967943 (VCV004967943.2).
Genomic context (GRCh38, chr1:39,451,112, plus strand): 5'-GCAGCACAAGTTGGAGGAAGCCCTGCTCTTTTCGGGTCAGTTCATGGATGCTTTGCAGGC[A>G]TTGGTTGACTGGTTATACAAGGTGGAGCCACAGCTGGCTGAGGACCAGCCCGTGCACGGG-3'
Protein context (NP_001380991.1, residues 6763-6783): FSGQFMDALQ[Ala6773=]LVDWLYKVEP

ClinVar aggregate classification (germline): Likely benign. Review status: criteria provided, multiple submitters, no conflicts (2 of 4 stars). 2 submissions from 2 submitters: Likely benign (2). Last evaluated 2026-08-01.

gnomAD v4.1: 136 of 1,614,182 alleles (0.0084%); highest among the groups gnomAD compares: South Asian, 0.13%; 1 homozygote.

Submissions (2):

CeGaT Center for Human Genetics Tuebingen
Classification: Likely benign. Last evaluated: 2026-08-01. Review status: criteria provided, single submitter. Criteria: CeGaT Center For Human Genetics Tuebingen Variant Classification Criteria Version 2. Collection method: clinical testing. Allele origin: germline. Affected: yes. Observed: 1 variant allele.
Comment: MACF1: BP4, BP7

Blueprint Genetics
Classification: Likely benign. Last evaluated: 2024-04-25. Review status: criteria provided, single submitter. Criteria: ACMG Guidelines, 2015. Collection method: clinical testing. Allele origin: germline.